The following is an entry in ClinVar:

ClinVar aggregate classification (germline): Benign/Likely benign. Review status: criteria provided, multiple submitters, no conflicts (2 of 4 stars). 4 submissions from 4 submitters: Benign (1); Likely benign (3). Last evaluated 2026-05-21.

Conditions:
Cardiovascular phenotype. Identifiers: MedGen CN230736.
Hereditary cancer-predisposing syndrome. Also called: Neoplastic Syndromes, Hereditary; Tumor predisposition; Hereditary Cancer Syndrome; Hereditary neoplastic syndrome. Identifiers: Orphanet 140162, MedGen C0027672, MeSH D009386, MONDO:0015356.
Neurofibromatosis, type 1 (NF1). Also called: Peripheral type neurofibromatosis; NEUROFIBROMATOSIS, TYPE I, SOMATIC; VON RECKLINGHAUSEN DISEASE; Neurofibromatosis, type I. Identifiers: Orphanet 636, MedGen C0027831, MONDO:0018975, OMIM 162200. Disease mechanism: loss of function.

gnomAD v4.1: 1 of 1,614,040 alleles (0.000062%); no homozygotes.

Submissions (4):

Myriad Genetics, Inc.
Classification: Benign for Neurofibromatosis, type 1. Last evaluated: 2026-05-21. Review status: criteria provided, single submitter. Criteria: Myriad Autosomal Dominant, Autosomal Recessive and X-Linked Classification Criteria (2023). Collection method: clinical testing. Allele origin: unknown.
Comment: This variant is considered benign. This variant is a silent/synonymous amino acid change and it is not expected to impact splicing.

Mayo Clinic Laboratories, Mayo Clinic
Classification: Likely benign. Last evaluated: 2025-10-15. Review status: criteria provided, single submitter. Criteria: ACMG Guidelines, 2015. Collection method: clinical testing. Allele origin: germline. Observed: 1 variant allele.
Comment: BP4, BP7, PM2_supporting

Labcorp Genetics (formerly Invitae), Labcorp
Classification: Likely benign for Neurofibromatosis, type 1. Last evaluated: 2020-09-03. Review status: criteria provided, single submitter. Criteria: Invitae Variant Classification Sherloc (09022015). Collection method: clinical testing. Allele origin: germline.

Ambry Genetics
Classification: Likely benign for Cardiovascular phenotype; Hereditary cancer-predisposing syndrome. Last evaluated: 2020-03-19. Review status: criteria provided, single submitter. Criteria: Ambry Variant Classification Scheme 2023. Collection method: clinical testing. Allele origin: germline.

NM_001042492.3(NF1):c.6625T>C (p.Leu2209=)

Gene: NF1 (neurofibromin 1; plus strand). Cytogenetic location: 17q11.2.
Variant type: single nucleotide variant.
Coding change: c.6625T>C on transcript NM_001042492.3 (MANE Select); coding-DNA position 6625, T replaced by C.
Protein change: p.Leu2209=; no amino-acid change (leucine 2209 retained).
Molecular consequence: synonymous variant.
Genome position (GRCh38, 1-based): chr17:31,337,565, T>C. VCF-style: chr17-31337565-T-C. GRCh37 (hg19) VCF-style: chr17-29664583-T-C.
Other names: p.Leu2188=; c.6562T>C, p.Leu2188= (NM_000267.4).
Identifiers: ClinVar variation 1096877 (VCV001096877.11), dbSNP rs2151556602, ClinGen allele CA499234162.
Genomic context (GRCh38, chr17:31,337,565, plus strand): 5'-CCTGGCTCCTATGAGAGAGAGACTTTTGCTTTGACATCCTTGGAAACAGTCACAGAAGCT[T>C]TGTTGGAGATCATGGAGGTATAGAAGCCAAAATGATAAGAAACTAAGTTAAAATCTTTTT-3'
Protein context (NP_001035957.1, residues 2199-2219): LTSLETVTEA[Leu2209=]LEIMEACMRD